The following is an entry in ClinVar:

ClinVar aggregate classification (germline): Likely benign (1 of 4 stars; one submission).

Allele frequency attached by ClinVar (database versions not stated): gnomAD exomes 0.00018; ExAC 0.00063; 1000 Genomes Project 30x 0.00141; 1000 Genomes Project 0.00180; gnomAD 0.00200; TOPMed 0.00225; ESP Exome Variant Server 0.00308.
gnomAD v4.1: 578 of 1,609,984 alleles (0.036%); highest among the groups gnomAD compares: African/African-American, 0.68%; 2 homozygotes.

Submission:

CeGaT Center for Human Genetics Tuebingen
Classification: Likely benign. Last evaluated: 2022-07-01. Review status: criteria provided, single submitter. Criteria: CeGaT Center For Human Genetics Tuebingen Variant Classification Criteria Version 2. Collection method: clinical testing. Allele origin: germline. Affected: yes. Observed: 1 variant allele.
Comment: CREB3: BP4, BP7

NM_006368.5(CREB3):c.525T>C (p.Val175=)

Gene: CREB3 (cAMP responsive element binding protein 3; plus strand). Cytogenetic location: 9p13.3.
Variant type: single nucleotide variant.
Coding change: c.525T>C on transcript NM_006368.5 (MANE Select); coding-DNA position 525, T replaced by C.
Protein change: p.Val175=; no amino-acid change (valine 175 retained).
Molecular consequence: synonymous variant.
Genome position (GRCh38, 1-based): chr9:35,735,198, T>C. VCF-style: chr9-35735198-T-C. GRCh37 (hg19) VCF-style: chr9-35735195-T-C.
Identifiers: ClinVar variation 2659183 (VCV002659183.24), dbSNP rs146674074, ClinGen allele CA5049798.
Genomic context (GRCh38, chr9:35,735,198, plus strand): 5'-GAGGAAGATTCGAAATAAAAGATCTGCTCAAGAGAGCCGCAGGAAAAAGAAGGTGTATGT[T>C]GGGGGTTTAGAGAGCAGGTATGAAAGGGAGAGGGACTCTGTTGTAAGTATTAGGTTTTTG-3'
Protein context (NP_006359.3, residues 165-185): QESRRKKKVY[Val175=]GGLESRVLKY